The following is an entry in ClinVar:

ClinVar aggregate classification (germline): Likely benign (0 of 4 stars; one submission).

Conditions:
TNPO1-related disorder. Also called: TNPO1-related condition.

gnomAD v4.1: 14 of 1,608,968 alleles (0.00087%); highest among the groups gnomAD compares: Non-Finnish European, 0.0012%; no homozygotes.

Submission:

PreventionGenetics, part of Exact Sciences
Classification: Likely benign for TNPO1-related condition. Last evaluated: 2020-06-25. Review status: no assertion criteria provided. Collection method: clinical testing. Allele origin: germline.
Comment: This variant is classified as likely benign based on ACMG/AMP sequence variant interpretation guidelines (Richards et al. 2015 PMID: 25741868, with internal and published modifications).

NM_002270.4(TNPO1):c.1529+9G>C

Gene: TNPO1 (transportin 1; plus strand). Cytogenetic location: 5q13.2.
Variant type: single nucleotide variant.
Coding change: c.1529+9G>C on transcript NM_002270.4 (MANE Select); 9 bases into the intron after coding-DNA position 1529, G replaced by C.
Molecular consequence: intron variant.
Genome position (GRCh38, 1-based): chr5:72,888,312, G>C. VCF-style: chr5-72888312-G-C. GRCh37 (hg19) VCF-style: chr5-72184139-G-C.
Other names: c.1505+9G>C (NM_001364292.3, NM_153188.4, NM_001364294.3 and 1 more transcripts); c.1379+9G>C (NM_001364295.3).
Identifiers: ClinVar variation 3036273 (VCV003036273.2), dbSNP rs776822870, ClinGen allele CA120791114.
Genomic context (GRCh38, chr5:72,888,312, plus strand): 5'-TGCTAAAGCGCATCCTGGACAGCAACAAGAGAGTACAAGAAGCTGCCTGCAGGTGGGACA[G>C]ATTCATAACACAGTGTTCTTTGTGGCAGTGAAAAACTTAATTTTCAACCTTCTGATGGAG-3'